The following is an entry in ClinVar:

NM_205768.3(ZBTB18):c.1206C>G (p.Phe402Leu)

Gene: ZBTB18 (zinc finger and BTB domain containing 18; plus strand). Cytogenetic location: 1q44.
Variant type: single nucleotide variant.
Coding change: c.1206C>G on transcript NM_205768.3 (MANE Select); coding-DNA position 1206, C replaced by G.
Protein change: p.Phe402Leu; replaces phenylalanine 402 with leucine.
Molecular consequence: missense variant. On other transcripts: 3 prime UTR variant (1).
Genome position (GRCh38, 1-based): chr1:244,054,980, C>G. VCF-style: chr1-244054980-C-G. GRCh37 (hg19) VCF-style: chr1-244218282-C-G.
Other names: c.1179C>G, p.Phe393Leu (NM_001278196.2, NM_006352.5); c.*383C>G (NM_001421566.1); short protein forms F393L, F402L.
Identifiers: ClinVar variation 3342065 (VCV003342065.16).

ClinVar aggregate classification (germline): Uncertain significance (1 of 4 stars; one submission).

Submission:

CeGaT Center for Human Genetics Tuebingen
Classification: Uncertain significance. Last evaluated: 2024-08-01. Review status: criteria provided, single submitter. Criteria: CeGaT Center For Human Genetics Tuebingen Variant Classification Criteria Version 2. Collection method: clinical testing. Allele origin: germline. Affected: yes. Observed: 1 variant allele.
Comment: ZBTB18: PM2